The following is an entry in ClinVar:

ClinVar aggregate classification (germline): Likely benign. Review status: criteria provided, multiple submitters, no conflicts (2 of 4 stars). 2 submissions from 2 submitters: Likely benign (2). Last evaluated 2025-02-27.

Conditions:
Meckel-Gruber syndrome. Also called: DYSENCEPHALIA SPLANCHNOCYSTICA; Dysencephalia splachnocystica; GRUBER SYNDROME. Identifiers: Orphanet 564, MedGen C0265215, MONDO:0018921.
Joubert syndrome. Also called: Familial aplasia of the vermis; JOUBERT-BOLTSHAUSER SYNDROME. Identifiers: Orphanet 475, MedGen C5979921, MONDO:0018772.
Nephronophthisis. Also called: Juvenile Nephronophthisis. Identifiers: Orphanet 655, MedGen C0687120, MONDO:0019005, HP:0000090.
CEP290-related disorder. Also called: CEP290-related condition; CEP290-related disorders. Identifiers: MedGen CN239314.

Submissions (2):

PreventionGenetics, part of Exact Sciences
Classification: Likely benign for CEP290-related condition. Last evaluated: 2025-02-27. Review status: criteria provided, single submitter. Criteria: ACMG Guidelines, 2015. Collection method: clinical testing. Allele origin: germline.
Comment: This variant is classified as likely benign based on ACMG/AMP sequence variant interpretation guidelines (Richards et al. 2015 PMID: 25741868, with internal and published modifications).

Labcorp Genetics (formerly Invitae), Labcorp
Classification: Likely benign for Joubert syndrome; Meckel-Gruber syndrome; Nephronophthisis. Last evaluated: 2021-02-17. Review status: criteria provided, single submitter. Criteria: Invitae Variant Classification Sherloc (09022015). Collection method: clinical testing. Allele origin: germline.

NM_025114.4(CEP290):c.4737A>G (p.Glu1579=)

Gene: CEP290 (centrosomal protein 290; minus strand). Cytogenetic location: 12q21.32.
Variant type: single nucleotide variant.
Coding change: c.4737A>G on transcript NM_025114.4 (MANE Select); coding-DNA position 4737, A replaced by G.
Protein change: p.Glu1579=; no amino-acid change (glutamic acid 1579 retained).
Molecular consequence: synonymous variant.
Genome position (GRCh38, 1-based): chr12:88,083,922, T>C on the plus strand (A>G on the coding strand, the complement: CEP290 is on the minus strand). VCF-style: chr12-88083922-T-C. GRCh37 (hg19) VCF-style: chr12-88477699-T-C.
Other names: c.4737A>G (NM_025114.3).
Identifiers: ClinVar variation 1109758 (VCV001109758.10), dbSNP rs2137169332, ClinGen allele CA481076371.